The following is an entry in ClinVar:

ClinVar aggregate classification (germline): Likely pathogenic. Review status: criteria provided, multiple submitters, no conflicts (2 of 4 stars). 3 submissions from 3 submitters: Likely pathogenic (2). 1 of the submissions does not count toward it. Last evaluated 2025-04-08.

Conditions:
Autosomal recessive nonsyndromic hearing loss 9. Also called: NEUROSENSORY NONSYNDROMIC RECESSIVE DEAFNESS 9; OTOF-Related Hearing Loss; Deafness, autosomal recessive 9; AUDITORY NEUROPATHY, AUTOSOMAL RECESSIVE, 1, TEMPERATURE-SENSITIVE. Identifiers: Orphanet 90636, MedGen C1832828, MONDO:0010986, OMIM 601071.

Submissions (3):

Hereditary Deafness Genetic Testing Group, The First Affiliated Hospital of Zhengzhou University
Classification: Likely pathogenic for Autosomal recessive nonsyndromic hearing loss 9. Last evaluated: 2025-04-08. Review status: criteria provided, single submitter. Criteria: ACMG Guidelines, 2015. Collection method: clinical testing. Allele origin: germline. Affected: yes.

Juno Genomics, Hangzhou Juno Genomics, Inc
Classification: Likely pathogenic for Autosomal recessive nonsyndromic hearing loss 9. Review status: criteria provided, single submitter. Criteria: ACMG Guidelines, 2015. Collection method: clinical testing. Allele origin: germline. Affected: yes.
Comment: Absent from controls (or at extremely low frequency if recessive) in Genome Aggregation Database, Exome Sequencing Project, 1000 Genomes Project, or Exome Aggregation Consortium.;Null variant in a gene where loss of function (LOF) is a known mechanism of disease.

Diagnosis and Treatment Center of Genetic Hearing Loss, Eye & ENT Hospital of Fudan University
Classification: Pathogenic for Autosomal recessive nonsyndromic hearing loss 9. Last evaluated: 2026-02-04. Review status: no assertion criteria provided. Collection method: clinical testing. Allele origin: germline. Inheritance: Autosomal recessive inheritance. Affected: yes. Not counted in ClinVar's aggregate classification.
Comment: The c.4451_4454del frameshift variant in OTOF leads to a premature stop codon and predicted NMD (PVS1). It is absent from population databases (PM2_Supporting). The phenotype is consistent (PP4).

Literature cited by the submitters: PubMed 40542191 (cited by Hereditary Deafness Genetic Testing Group, The First Affiliated Hospital of Zhengzhou University).

NM_194248.3(OTOF):c.4451_4454del (p.Ile1484fs)

Gene: OTOF (otoferlin; minus strand). Cytogenetic location: 2p23.3.
Variant type: Deletion.
Coding change: c.4451_4454del on transcript NM_194248.3 (MANE Select); coding-DNA positions 4451 to 4454, 4 bases deleted (TCCC; older notation c.4451_4454delTCCC).
Protein change: p.Ile1484fs; shifts the reading frame from isoleucine 1484.
Molecular consequence: frameshift variant.
Genome position (GRCh38, 1-based): chr2:26,466,760-26,466,763, GGGA deleted on the plus strand (TCCC on the coding strand, the reverse complement: OTOF is on the minus strand). VCF-style (leftmost placement, unchanged base first): chr2-26466759-CGGGA-C. GRCh37 (hg19) VCF-style: chr2-26689627-CGGGA-C.
Other names: c.4451_4454del, p.Ile1484fs (NM_001287489.2); c.2150_2153del, p.Ile717fs (NM_004802.4, NM_194323.3); c.2381_2384del, p.Ile794fs (NM_194322.3); short protein forms I1484fs, I717fs, I794fs.
Identifiers: ClinVar variation 3777236 (VCV003777236.3).